The following is an entry in ClinVar:

ClinVar aggregate classification (germline): Uncertain significance. Review status: criteria provided, multiple submitters, no conflicts (2 of 4 stars). 8 submissions from 8 submitters: Uncertain significance (7). 1 of the submissions does not count toward it. Last evaluated 2026-01-28.

Conditions:
Hereditary cancer-predisposing syndrome. Also called: Neoplastic Syndromes, Hereditary; Hereditary neoplastic syndrome; Tumor predisposition; Hereditary Cancer Syndrome. Identifiers: Orphanet 140162, MedGen C0027672, MeSH D009386, MONDO:0015356.
Familial cancer of breast. Also called: hereditary breast carcinoma; Hereditary breast cancer; BREAST CANCER, FAMILIAL. Identifiers: Orphanet 227535, MedGen C0346153, MONDO:0016419, OMIM 114480. Disease mechanism: loss of function.
Ataxia-telangiectasia syndrome (AT). Also called: Ataxia telangiectasia (A-T); Cerebello-oculocutaneous telangiectasia; Immunodeficiency with ataxia telangiectasia; LOUIS-BAR SYNDROME; AT, COMPLEMENTATION GROUP C; ATAXIA-TELANGIECTASIA, FRESNO VARIANT. Identifiers: Orphanet 100, MedGen C0004135, MONDO:0008840, OMIM 208900.

Allele frequency attached by ClinVar (database versions not stated): gnomAD exomes 0.00001; ExAC 0.00002; TOPMed below 0.00001.
gnomAD v4.1: 15 of 1,614,224 alleles (0.00093%); highest among the groups gnomAD compares: South Asian, 0.012%; no homozygotes.

Submissions (8):

Labcorp Genetics (formerly Invitae), Labcorp
Classification: Uncertain significance for Ataxia-telangiectasia syndrome. Last evaluated: 2026-01-28. Review status: criteria provided, single submitter. Criteria: Invitae Variant Classification Sherloc (09022015). Collection method: clinical testing. Allele origin: germline.
Comment: This sequence change replaces glutamine, which is neutral and polar, with arginine, which is basic and polar, at codon 2972 of the ATM protein (p.Gln2972Arg). This variant is present in population databases (rs763773991, gnomAD 0.01%). This missense change has been observed in individual(s) with breast and/or ovarian cancer, Lynch syndrome (PMID: 25980754, 29470806). ClinVar contains an entry for this variant (Variation ID: 230424). Invitae Evidence Modeling of protein sequence and biophysical properties (such as structural, functional, and spatial information, amino acid conservation, physicochemical variation, residue mobility, and thermodynamic stability) indicates that this missense variant is not expected to disrupt ATM protein function with a negative predictive value of 95%. In summary, the available evidence is currently insufficient to determine the role of this variant in disease. Therefore, it has been classified as a Variant of Uncertain Significance.

Color Diagnostics, LLC DBA Color Health
Classification: Uncertain significance for Hereditary cancer-predisposing syndrome. Last evaluated: 2024-07-09. Review status: criteria provided, single submitter. Criteria: ACMG Guidelines, 2015. Collection method: clinical testing. Allele origin: germline.
Comment: This missense variant replaces glutamine with arginine at codon 2972 of the ATM protein. Computational prediction suggests that this variant may not impact protein structure and function (internally defined REVEL score threshold <= 0.5, PMID: 27666373). To our knowledge, functional studies have not been reported for this variant. This variant has been reported in individuals affected with breast cancer and/or ovarian cancer (PMID: 25186627, 29470806), as well as in an individual suspected of having Lynch syndrome (PMID: 25980754). This variant has been identified in 3/251412 chromosomes in the general population by the Genome Aggregation Database (gnomAD). The available evidence is insufficient to determine the role of this variant in disease conclusively. Therefore, this variant is classified as a Variant of Uncertain Significance.

Blueprint Genetics
Classification: Uncertain significance. Last evaluated: 2024-04-09. Review status: criteria provided, single submitter. Criteria: ACMG Guidelines, 2015. Collection method: clinical testing. Allele origin: germline.

Ambry Genetics
Classification: Uncertain significance for Hereditary cancer-predisposing syndrome. Last evaluated: 2024-02-20. Review status: criteria provided, single submitter. Criteria: Ambry Variant Classification Scheme 2023. Collection method: clinical testing. Allele origin: germline.
Comment: The p.Q2972R variant (also known as c.8915A>G), located in coding exon 61 of the ATM gene, results from an A to G substitution at nucleotide position 8915. The glutamine at codon 2972 is replaced by arginine, an amino acid with highly similar properties. This variant was observed in an individual with early onset-breast cancer amongst a cohort of 1781 non-Ashkenazi Jewish individuals undergoing BRCA1/2 gene testing based on a personal history of breast cancer (Tung N et al. Cancer, 2015 Jan;121:25-33). This variant was also observed in a study of 1010 unrelated Indian patients with breast and/or ovarian cancer (Singh J et al. Breast Cancer Res Treat, 2018 Jul;170:189-196). This amino acid position is highly conserved in available vertebrate species. In addition, the in silico prediction for this alteration is inconclusive. Based on the available evidence, the clinical significance of this alteration remains unclear.

Baylor Genetics
Classification: Uncertain significance for Familial cancer of breast. Last evaluated: 2023-08-20. Review status: criteria provided, single submitter. Criteria: ACMG Guidelines, 2015. Collection method: clinical testing. Allele origin: unknown.

GeneDx
Classification: Uncertain significance. Last evaluated: 2021-08-12. Review status: criteria provided, single submitter. Criteria: GeneDx Variant Classification Process June 2021. Collection method: clinical testing. Allele origin: germline. Affected: yes.
Comment: Not observed at a significant frequency in large population cohorts (Lek 2016); In silico analysis supports that this missense variant does not alter protein structure/function; Observed in individuals with breast/ovarian cancer or Lynch-associated cancer/polyps (Yurgelun 2015, Singh 2018); This variant is associated with the following publications: (PMID: 23532176, 29470806, 25980754)

Neuberg Centre For Genomic Medicine, NCGM
Classification: Uncertain significance for Familial cancer of breast. Review status: criteria provided, single submitter. Criteria: ACMG Guidelines, 2015. Collection method: clinical testing. Allele origin: germline. Inheritance: Autosomal dominant inheritance. Affected: yes.
Comment: The missense variant p.Gln2972Arg in ATM (NM_000051.3) has been submitted to ClinVar as a Variant of Uncertain Significance, but no details are available for independent assessment. This variant was identified in 1/1010 individuals in a breast and/or ovarian cancer cohort in India (Singh J et al.). The p.Gln2972Arg variant is novel (not in any individuals) in 1000 Genomes. The amino acid change p.Gln2972Arg in ATM is predicted as conserved by GERP++ and PhyloP across 100 vertebrates. For these reasons, this variant has been classified as Uncertain Significance.

Natera, Inc.
Classification: Uncertain significance for Ataxia-telangiectasia. Last evaluated: 2020-11-03. Review status: no assertion criteria provided. Collection method: clinical testing. Allele origin: germline. Not counted in ClinVar's aggregate classification.

Literature cited by the submitters: PubMed 25980754 (cited by Labcorp Genetics (formerly Invitae), Labcorp and Color Diagnostics, LLC DBA Color Health); PubMed 29470806 (cited by 3 submitters); PubMed 25186627 (cited by Color Diagnostics, LLC DBA Color Health and Ambry Genetics).

NM_000051.4(ATM):c.8915A>G (p.Gln2972Arg)

Genes: ATM (ATM serine/threonine kinase; plus strand), C11orf65 (chromosome 11 open reading frame 65; minus strand). Cytogenetic location: 11q22.3.
Variant type: single nucleotide variant.
Coding change: c.8915A>G on transcript NM_000051.4 (MANE Select); coding-DNA position 8915, A replaced by G.
Protein change: p.Gln2972Arg; replaces glutamine 2972 with arginine.
Molecular consequence: missense variant. On other transcripts: intron variant (2).
Genome position (GRCh38, 1-based): chr11:108,365,146, A>G. VCF-style: chr11-108365146-A-G. GRCh37 (hg19) VCF-style: chr11-108235873-A-G.
Other names: c.8915A>G, p.Gln2972Arg (NM_001351834.2); c.640+20774T>C (NM_001330368.2); c.694+20774T>C (NM_001351110.2); short protein forms Q2972R.
Identifiers: ClinVar variation 230424 (VCV000230424.31), dbSNP rs763773991, ClinGen allele CA6266491.